The following is an entry in ClinVar:

NM_002160.4(TNC):c.3406G>T (p.Ala1136Ser)

Gene: TNC (tenascin C; minus strand). Cytogenetic location: 9q33.1.
Variant type: single nucleotide variant.
Coding change: c.3406G>T on transcript NM_002160.4 (MANE Select); coding-DNA position 3406, G replaced by T.
Protein change: p.Ala1136Ser; replaces alanine 1136 with serine.
Molecular consequence: missense variant. On other transcripts: intron variant (7).
Genome position (GRCh38, 1-based): chr9:115,064,728, C>A on the plus strand (G>T on the coding strand, the complement: TNC is on the minus strand). VCF-style: chr9-115064728-C-A. GRCh37 (hg19) VCF-style: chr9-117827007-C-A.
Other names: c.3406G>T, p.Ala1136Ser (NM_001410991.1, NM_001439065.1, NM_001439066.1 and 28 more transcripts); c.3214+8875G>T (NM_001439099.1, NM_001439096.1, NM_001439100.1 and 1 more transcripts); c.3215-7303G>T (NM_001439098.1, NM_001439094.1, NM_001439090.1); short protein forms A1136S.
Identifiers: ClinVar variation 4979496 (VCV004979496.1).
Genomic context (GRCh38, chr9:115,064,728, plus strand): 5'-GCACTGGTGTTCTATAGCCCTGGATCACCCCATAGATGGAGACTGTATAAGGCGTAGCAG[C>A]CTTGAGGCCCGGTATGTCCACAGCCCGAAGGCTGCCAGGCACGGTGAGGTTCCGAGCTGC-3'
Protein context (NP_002151.2, residues 1126-1146): LRAVDIPGLK[Ala1136Ser]ATPYTVSIYG

ClinVar aggregate classification (germline): Uncertain significance (1 of 4 stars; one submission).

Conditions:
TNC-related disorder. Also called: TNC-related condition.

Submission:

PreventionGenetics, part of Exact Sciences
Classification: Uncertain significance for TNC-related condition. Last evaluated: 2026-08-07. Review status: criteria provided, single submitter. Criteria: ACMG Guidelines, 2015. Collection method: clinical testing. Allele origin: germline.
Comment: The TNC c.3406G>T variant is predicted to result in the amino acid substitution p.Ala1136Ser. To our knowledge, this variant has not been reported in the literature in a patient with a TNC related disorder. This variant has been reported as de novo in one patient with neurodevelopmental or autism spectrum disorder (Patient 71120; Kaplanis et al. 2020. PubMed ID: 33057194; Supplementary Data 3; Zhou et al. 2022. PubMed ID: 35982159). This variant is reported in 0.0018% of alleles in individuals of European (Non-Finnish) descent in gnomAD. At this time, the clinical significance of this variant is uncertain due to the absence of conclusive functional and genetic evidence.